The following is an entry in ClinVar:

ClinVar aggregate classification (germline): Likely benign (1 of 4 stars; one submission).

Submission:

GeneDx
Classification: Likely benign. Last evaluated: 2016-10-24. Review status: criteria provided, single submitter. Criteria: GeneDx Variant Classification (06012015). Collection method: clinical testing. Allele origin: germline. Affected: yes.
Comment: This variant is considered likely benign or benign based on one or more of the following criteria: it is a conservative change, it occurs at a poorly conserved position in the protein, it is predicted to be benign by multiple in silico algorithms, and/or has population frequency not consistent with disease.

NM_000088.4(COL1A1):c.165C>T (p.Pro55=)

Gene: COL1A1 (collagen type I alpha 1 chain; minus strand). Cytogenetic location: 17q21.33.
Variant type: single nucleotide variant.
Coding change: c.165C>T on transcript NM_000088.4 (MANE Select); coding-DNA position 165, C replaced by T.
Protein change: p.Pro55=; no amino-acid change (proline 55 retained).
Molecular consequence: synonymous variant.
Genome position (GRCh38, 1-based): chr17:50,199,886, G>A on the plus strand (C>T on the coding strand, the complement: COL1A1 is on the minus strand). VCF-style: chr17-50199886-G-A. GRCh37 (hg19) VCF-style: chr17-48277247-G-A.
Identifiers: ClinVar variation 390205 (VCV000390205.1), dbSNP rs1057523677, ClinGen allele CA16607371.